The following is an entry in ClinVar:

NM_024422.6(DSC2):c.475-111_475-108del

Gene: DSC2 (desmocollin 2; minus strand). Cytogenetic location: 18q12.1.
Variant type: Deletion.
Coding change: c.475-111_475-108del on transcript NM_024422.6 (MANE Select); 111 bases into the intron before coding-DNA position 475 through 108 bases into the intron before coding-DNA position 475, 4 bases deleted (TTAA; older notation c.475-111_475-108delTTAA).
Molecular consequence: intron variant.
Genome position (GRCh38, 1-based): chr18:31,089,702-31,089,705, TTAA deleted on the plus strand (TTAA on the coding strand, the reverse complement: DSC2 is on the minus strand); deleting any 4 consecutive bases within chr18:31,089,702-31,089,707 gives the same sequence; the c. name uses the placement nearest the transcript's 3' end. VCF-style (leftmost placement, unchanged base first): chr18-31089701-CTTAA-C. GRCh37 (hg19) VCF-style: chr18-28669664-CTTAA-C.
Other names: c.475-111_475-108del (NM_004949.5).
Identifiers: ClinVar variation 672108 (VCV000672108.1), dbSNP rs141142926, ClinGen allele CA297642070.

ClinVar aggregate classification (germline): Benign (1 of 4 stars; one submission).

Submission:

GeneDx
Classification: Benign. Last evaluated: 2018-06-15. Review status: criteria provided, single submitter. Criteria: GeneDx Variant Classification (06012015). Collection method: clinical testing. Allele origin: germline. Affected: yes.
Comment: This variant is considered likely benign or benign based on one or more of the following criteria: it is a conservative change, it occurs at a poorly conserved position in the protein, it is predicted to be benign by multiple in silico algorithms, and/or has population frequency not consistent with disease.